The following is an entry in ClinVar:

NM_031475.3(ESPN):c.1917C>T (p.Ser639=)

Gene: ESPN (espin; plus strand). Cytogenetic location: 1p36.31.
Variant type: single nucleotide variant.
Coding change: c.1917C>T on transcript NM_031475.3 (MANE Select); coding-DNA position 1917, C replaced by T.
Protein change: p.Ser639=; no amino-acid change (serine 639 retained).
Molecular consequence: synonymous variant.
Genome position (GRCh38, 1-based): chr1:6,451,604, C>T. VCF-style: chr1-6451604-C-T. GRCh37 (hg19) VCF-style: chr1-6511664-C-T.
Other names: c.1827C>T, p.Ser609= (NM_001367473.1); c.1854C>T, p.Ser618= (NM_001367474.1).
Identifiers: ClinVar variation 382548 (VCV000382548.1), dbSNP rs1057521382, ClinGen allele CA16603685.

ClinVar aggregate classification (germline): Likely benign (1 of 4 stars; one submission).

Allele frequency attached by ClinVar (database versions not stated): gnomAD exomes below 0.00001.
gnomAD v4.1: 1 of 1,612,706 alleles (0.000062%); highest among the groups gnomAD compares: Non-Finnish European, 0.000085%; no homozygotes.

Submission:

GeneDx
Classification: Likely benign. Last evaluated: 2016-01-05. Review status: criteria provided, single submitter. Criteria: GeneDx Variant Classification (06012015). Collection method: clinical testing. Allele origin: germline. Affected: yes.
Comment: This variant is considered likely benign or benign based on one or more of the following criteria: it is a conservative change, it occurs at a poorly conserved position in the protein, it is predicted to be benign by multiple in silico algorithms, and/or has population frequency not consistent with disease.